The following is an entry in ClinVar:

ClinVar aggregate classification (germline): Benign/Likely benign. Review status: criteria provided, multiple submitters, no conflicts (2 of 4 stars). 3 submissions from 3 submitters: Benign (1); Likely benign (2). Last evaluated 2025-12-03.

Conditions:
EPS8-related disorder. Also called: EPS8-related condition.

Allele frequency attached by ClinVar (database versions not stated): gnomAD 0.00006 and 0.00012; gnomAD exomes 0.00010 and 0.00032; TOPMed 0.00015; 1000 Genomes Project 30x 0.00031; ExAC 0.00032; 1000 Genomes Project 0.00040.
gnomAD v4.1: 164 of 1,613,074 alleles (0.01%); highest among the groups gnomAD compares: East Asian, 0.33%; 1 homozygote.

Submissions (3):

Labcorp Genetics (formerly Invitae), Labcorp
Classification: Benign. Last evaluated: 2025-12-03. Review status: criteria provided, single submitter. Criteria: Invitae Variant Classification Sherloc (09022015). Collection method: clinical testing. Allele origin: germline.

PreventionGenetics, part of Exact Sciences
Classification: Likely benign for EPS8-related condition. Last evaluated: 2025-10-21. Review status: criteria provided, single submitter. Criteria: ACMG Guidelines, 2015. Collection method: clinical testing. Allele origin: germline.
Comment: This variant is classified as likely benign based on ACMG/AMP sequence variant interpretation guidelines (Richards et al. 2015 PMID: 25741868, with internal and published modifications).

Blueprint Genetics
Classification: Likely benign. Last evaluated: 2024-11-08. Review status: criteria provided, single submitter. Criteria: ACMG Guidelines, 2015. Collection method: clinical testing. Allele origin: germline.

NM_004447.6(EPS8):c.1839T>C (p.Tyr613=)

Gene: EPS8 (EGFR pathway substrate 8, signaling adaptor; minus strand). Cytogenetic location: 12p12.3.
Variant type: single nucleotide variant.
Coding change: c.1839T>C on transcript NM_004447.6 (MANE Select); coding-DNA position 1839, T replaced by C.
Protein change: p.Tyr613=; no amino-acid change (tyrosine 613 retained).
Molecular consequence: synonymous variant.
Genome position (GRCh38, 1-based): chr12:15,631,647, A>G on the plus strand (T>C on the coding strand, the complement: EPS8 is on the minus strand). VCF-style: chr12-15631647-A-G. GRCh37 (hg19) VCF-style: chr12-15784581-A-G.
Identifiers: ClinVar variation 793448 (VCV000793448.10), dbSNP rs201599438, ClinGen allele CA6467428.